The following is an entry in ClinVar:

NM_000171.4(GLRA1):c.1315A>C (p.Lys439Gln)

Gene: GLRA1 (glycine receptor alpha 1; minus strand). Cytogenetic location: 5q33.1.
Variant type: single nucleotide variant.
Coding change: c.1315A>C on transcript NM_000171.4 (MANE Select); coding-DNA position 1315, A replaced by C.
Protein change: p.Lys439Gln; replaces lysine 439 with glutamine.
Molecular consequence: missense variant.
Genome position (GRCh38, 1-based): chr5:151,822,708, T>G on the plus strand (A>C on the coding strand, the complement: GLRA1 is on the minus strand). VCF-style: chr5-151822708-T-G. GRCh37 (hg19) VCF-style: chr5-151202269-T-G.
Other names: c.1066A>C, p.Lys356Gln (NM_001292000.2); c.1339A>C, p.Lys447Gln (NM_001146040.2); short protein forms K356Q, K439Q, K447Q.
Identifiers: ClinVar variation 1037234 (VCV001037234.6), dbSNP rs1050028851, ClinGen allele CA130006137.

ClinVar aggregate classification (germline): Uncertain significance (1 of 4 stars; one submission).

Conditions:
Hereditary hyperekplexia. Identifiers: Orphanet 3197, MedGen C4084968, MONDO:0021022.

Allele frequency attached by ClinVar (database versions not stated): gnomAD exomes 0.00001; TOPMed 0.00001.
gnomAD v4.1: 3 of 1,613,728 alleles (0.00019%); highest among the groups gnomAD compares: Admixed American, 0.0033%; no homozygotes.

Submission:

Labcorp Genetics (formerly Invitae), Labcorp
Classification: Uncertain significance for Hereditary hyperekplexia. Last evaluated: 2025-04-19. Review status: criteria provided, single submitter. Criteria: Invitae Variant Classification Sherloc (09022015). Collection method: clinical testing. Allele origin: germline.
Comment: This sequence change replaces lysine, which is basic and polar, with glutamine, which is neutral and polar, at codon 439 of the GLRA1 protein (p.Lys439Gln). This variant is present in population databases (no rsID available, gnomAD 0.003%). This variant has not been reported in the literature in individuals affected with GLRA1-related conditions. ClinVar contains an entry for this variant (Variation ID: 1037234). Invitae Evidence Modeling of protein sequence and biophysical properties (such as structural, functional, and spatial information, amino acid conservation, physicochemical variation, residue mobility, and thermodynamic stability) has been performed for this missense variant. However, the output from this modeling did not meet the statistical confidence thresholds required to predict the impact of this variant on GLRA1 protein function. In summary, the available evidence is currently insufficient to determine the role of this variant in disease. Therefore, it has been classified as a Variant of Uncertain Significance.